The following is an entry in ClinVar:

ClinVar aggregate classification (germline): Benign/Likely benign. Review status: criteria provided, multiple submitters, no conflicts (2 of 4 stars). 3 submissions from 3 submitters: Benign (1); Likely benign (2). Last evaluated 2026-01-13.

Conditions:
Oligodontia-cancer predisposition syndrome. Also called: TOOTH AGENESIS-COLORECTAL CANCER SYNDROME. Identifiers: Orphanet 300576, MedGen C1837750, MONDO:0012075, OMIM 608615. Disease mechanism: loss of function.
Hereditary cancer-predisposing syndrome. Also called: Hereditary Cancer Syndrome; Tumor predisposition; Neoplastic Syndromes, Hereditary; Hereditary neoplastic syndrome. Identifiers: Orphanet 140162, MedGen C0027672, MeSH D009386, MONDO:0015356.

Allele frequency attached by ClinVar (database versions not stated): ExAC 0.00001; gnomAD 0.00001; gnomAD exomes 0.00001 and 0.00002; TOPMed 0.00001.
gnomAD v4.1: 11 of 1,614,090 alleles (0.00068%); highest among the groups gnomAD compares: Admixed American, 0.0067%; no homozygotes.

Submissions (3):

Labcorp Genetics (formerly Invitae), Labcorp
Classification: Likely benign for Oligodontia-cancer predisposition syndrome. Last evaluated: 2026-01-13. Review status: criteria provided, single submitter. Criteria: Invitae Variant Classification Sherloc (09022015). Collection method: clinical testing. Allele origin: germline.

Myriad Genetics, Inc.
Classification: Benign for Oligodontia-cancer predisposition syndrome. Last evaluated: 2024-07-10. Review status: criteria provided, single submitter. Criteria: Myriad Autosomal Dominant, Autosomal Recessive and X-Linked Classification Criteria (2023). Collection method: clinical testing. Allele origin: unknown.
Comment: This variant is considered benign. This variant is a silent/synonymous amino acid change and it is not expected to impact splicing.

Ambry Genetics
Classification: Likely benign for Hereditary cancer-predisposing syndrome. Last evaluated: 2021-03-29. Review status: criteria provided, single submitter. Criteria: Ambry Variant Classification Scheme 2023. Collection method: clinical testing. Allele origin: germline.

NM_004655.4(AXIN2):c.2208C>G (p.Pro736=)

Gene: AXIN2 (axin 2; minus strand). Cytogenetic location: 17q24.1.
Variant type: single nucleotide variant.
Coding change: c.2208C>G on transcript NM_004655.4 (MANE Select); coding-DNA position 2208, C replaced by G.
Protein change: p.Pro736=; no amino-acid change (proline 736 retained).
Molecular consequence: synonymous variant.
Genome position (GRCh38, 1-based): chr17:65,535,655, G>C on the plus strand (C>G on the coding strand, the complement: AXIN2 is on the minus strand). VCF-style: chr17-65535655-G-C. GRCh37 (hg19) VCF-style: chr17-63531773-G-C.
Other names: c.2013C>G, p.Pro671= (NM_001363813.1).
Identifiers: ClinVar variation 701649 (VCV000701649.14), dbSNP rs770458926, ClinGen allele CA8718376.